The following is an entry in ClinVar:

NM_004463.3(FGD1):c.2852C>A (p.Pro951His)

Genes: FGD1 (FYVE, RhoGEF and PH domain containing 1; minus strand), TSR2 (TSR2 ribosome maturation factor; plus strand). Cytogenetic location: Xp11.22.
Variant type: single nucleotide variant.
Coding change: c.2852C>A on transcript NM_004463.3 (MANE Select); coding-DNA position 2852, C replaced by A.
Protein change: p.Pro951His; replaces proline 951 with histidine.
Molecular consequence: missense variant. On other transcripts: 3 prime UTR variant (5).
Genome position (GRCh38, 1-based): chrX:54,446,143, G>T on the plus strand (C>A on the coding strand, the complement: FGD1 is on the minus strand). VCF-style: chrX-54446143-G-T. GRCh37 (hg19) VCF-style: chrX-54472576-G-T.
Other names: c.*1593G>T (NM_001346789.2, NM_001346790.2, NM_001346791.2 and 2 more transcripts); c.2852C>A (NM_004463.2); short protein forms P951H.
Identifiers: ClinVar variation 3608982 (VCV003608982.4).

ClinVar aggregate classification (germline): Uncertain significance. Review status: criteria provided, multiple submitters, no conflicts (2 of 4 stars). 3 submissions from 3 submitters: Uncertain significance (3). Last evaluated 2026-09-01.

Conditions:
Inborn genetic diseases. Identifiers: MedGen C0950123, MeSH D030342.

Submissions (3):

CeGaT Center for Human Genetics Tuebingen
Classification: Uncertain significance. Last evaluated: 2026-09-01. Review status: criteria provided, single submitter. Criteria: CeGaT Center For Human Genetics Tuebingen Variant Classification Criteria Version 2. Collection method: clinical testing. Allele origin: germline. Affected: yes. Observed: 1 variant allele.
Comment: FGD1: PM2, BP4

Labcorp Genetics (formerly Invitae), Labcorp
Classification: Uncertain significance. Last evaluated: 2025-10-27. Review status: criteria provided, single submitter. Criteria: Invitae Variant Classification Sherloc (09022015). Collection method: clinical testing. Allele origin: germline.
Comment: This sequence change replaces proline, which is neutral and non-polar, with histidine, which is basic and polar, at codon 951 of the FGD1 protein (p.Pro951His). This variant is not present in population databases (gnomAD no frequency). This variant has not been reported in the literature in individuals affected with FGD1-related conditions. ClinVar contains an entry for this variant (Variation ID: 3608982). Invitae Evidence Modeling of protein sequence and biophysical properties (such as structural, functional, and spatial information, amino acid conservation, physicochemical variation, residue mobility, and thermodynamic stability) indicates that this missense variant is not expected to disrupt FGD1 protein function with a negative predictive value of 95%. In summary, the available evidence is currently insufficient to determine the role of this variant in disease. Therefore, it has been classified as a Variant of Uncertain Significance.

Ambry Genetics
Classification: Uncertain significance for Inborn genetic diseases. Last evaluated: 2025-05-28. Review status: criteria provided, single submitter. Criteria: Ambry Variant Classification Scheme 2023. Collection method: clinical testing. Allele origin: germline.